The following is an entry in ClinVar:

ClinVar aggregate classification (germline): Uncertain significance. Review status: criteria provided, multiple submitters, no conflicts (2 of 4 stars). 2 submissions from 2 submitters: Uncertain significance (2). Last evaluated 2025-12-20.

gnomAD v4.1: 15 of 1,614,168 alleles (0.00093%); highest among the groups gnomAD compares: Admixed American, 0.012%; 1 homozygote.

Submissions (2):

Labcorp Genetics (formerly Invitae), Labcorp
Classification: Uncertain significance. Last evaluated: 2025-12-20. Review status: criteria provided, single submitter. Criteria: Invitae Variant Classification Sherloc (09022015). Collection method: clinical testing. Allele origin: germline.
Comment: This sequence change replaces arginine, which is basic and polar, with tryptophan, which is neutral and slightly polar, at codon 531 of the MTMR14 protein (p.Arg531Trp). This variant is present in population databases (rs777046881, gnomAD 0.02%). This variant has not been reported in the literature in individuals affected with MTMR14-related conditions. ClinVar contains an entry for this variant (Variation ID: 3914274). An algorithm developed to predict the effect of missense changes on protein structure and function (PolyPhen-2) suggests that this variant is likely to be disruptive. In summary, the available evidence is currently insufficient to determine the role of this variant in disease. Therefore, it has been classified as a Variant of Uncertain Significance.

Ambry Genetics
Classification: Uncertain significance. Last evaluated: 2025-04-17. Review status: criteria provided, single submitter. Criteria: Ambry Variant Classification Scheme 2023. Collection method: clinical testing. Allele origin: germline.

NM_001077525.3(MTMR14):c.1927C>T (p.Arg643Trp)

Gene: MTMR14 (myotubularin related protein 14; plus strand). Cytogenetic location: 3p25.3.
Variant type: single nucleotide variant.
Coding change: c.1927C>T on transcript NM_001077525.3 (MANE Select); coding-DNA position 1927, C replaced by T.
Protein change: p.Arg643Trp; replaces arginine 643 with tryptophan.
Molecular consequence: missense variant. On other transcripts: non-coding transcript variant (9).
Genome position (GRCh38, 1-based): chr3:9,701,947, C>T. VCF-style: chr3-9701947-C-T. GRCh37 (hg19) VCF-style: chr3-9743631-C-T.
Other names: c.1771C>T, p.Arg591Trp (NM_001077526.3); c.1996C>T, p.Arg666Trp (NM_001400518.1); c.1924C>T, p.Arg642Trp (NM_001400519.1); c.1852C>T, p.Arg618Trp (NM_001400520.1); c.1840C>T, p.Arg614Trp (NM_001400521.1); c.1768C>T, p.Arg590Trp (NM_001400522.1); c.1696C>T, p.Arg566Trp (NM_001400523.1); c.1681C>T, p.Arg561Trp (NM_001400524.1); and 19 more; short protein forms R356W, R424W, R429W, R449W, R529W, R531W, R244W, R304W.
Identifiers: ClinVar variation 3914274 (VCV003914274.2).